The following is an entry in ClinVar:

ClinVar aggregate classification (germline): Uncertain significance (1 of 4 stars; one submission).

Conditions:
Inborn genetic diseases. Identifiers: MedGen C0950123, MeSH D030342.

Allele frequency attached by ClinVar (database versions not stated): gnomAD exomes below 0.00001.
gnomAD v4.1: 2 of 1,596,190 alleles (0.00013%); highest among the groups gnomAD compares: Admixed American, 0.0017%; no homozygotes.

Submission:

Ambry Genetics
Classification: Uncertain significance for Inborn genetic diseases. Last evaluated: 2023-12-13. Review status: criteria provided, single submitter. Criteria: Ambry Variant Classification Scheme 2023. Collection method: clinical testing. Allele origin: germline.
Comment: The c.926C>T (p.S309L) alteration is located in exon 9 (coding exon 9) of the CAMTA1 gene. This alteration results from a C to T substitution at nucleotide position 926, causing the serine (S) at amino acid position 309 to be replaced by a leucine (L). Based on data from gnomAD, the T allele has an overall frequency of 0.001% (2/244398) total alleles studied. The highest observed frequency was 0.004% (1/28814) of South Asian alleles. This amino acid position is highly conserved in available vertebrate species. The in silico prediction for this alteration is inconclusive. Based on insufficient or conflicting evidence, the clinical significance of this alteration remains unclear.

NM_015215.4(CAMTA1):c.926C>T (p.Ser309Leu)

Gene: CAMTA1 (calmodulin binding transcription activator 1; plus strand). Cytogenetic location: 1p36.23.
Variant type: single nucleotide variant.
Coding change: c.926C>T on transcript NM_015215.4 (MANE Select); coding-DNA position 926, C replaced by T.
Protein change: p.Ser309Leu; replaces serine 309 with leucine.
Molecular consequence: missense variant.
Genome position (GRCh38, 1-based): chr1:7,663,473, C>T. VCF-style: chr1-7663473-C-T. GRCh37 (hg19) VCF-style: chr1-7723533-C-T.
Other names: c.836C>T, p.Ser279Leu (NM_001349608.2, NM_001349612.2); c.926C>T, p.Ser309Leu (NM_001349609.2, NM_001349610.2, NM_001410737.1); c.854C>T, p.Ser285Leu (NM_001410738.1); short protein forms S279L, S285L, S309L.
Identifiers: ClinVar variation 3136913 (VCV003136913.1), dbSNP rs1417768010, ClinGen allele CA338122042.